The following is an entry in ClinVar:

NM_001123385.2(BCOR):c.5003_5005del (p.Asp1668del)

Gene: BCOR (BCL6 corepressor; minus strand). Cytogenetic location: Xp11.4.
Variant type: Deletion.
Coding change: c.5003_5005del on transcript NM_001123385.2 (MANE Select); coding-DNA positions 5003 to 5005, 3 bases deleted (ATG; older notation c.5003_5005delATG).
Protein change: p.Asp1668del; deletes aspartic acid 1668.
Molecular consequence: inframe deletion. On other transcripts: inframe indel (1).
Genome position (GRCh38, 1-based): chrX:40,052,372-40,052,374, CAT deleted on the plus strand (ATG on the coding strand, the reverse complement: BCOR is on the minus strand); deleting any 3 consecutive bases within chrX:40,052,372-40,052,375 gives the same sequence; the c. name uses the placement nearest the transcript's 3' end. VCF-style (leftmost placement, unchanged base first): chrX-40052371-ACAT-A. GRCh37 (hg19) VCF-style: chrX-39911624-ACAT-A.
Other names: c.4900_4902delGAT, p.Asp1634del (NM_001123383.2); c.4847_4849del, p.Asp1616del (NM_001123384.2); c.4901_4903del, p.Asp1634del (NM_017745.6); short protein forms D1634del, D1616del, D1668del.
Identifiers: ClinVar variation 1394962 (VCV001394962.6), dbSNP rs2146829974, ClinGen allele CA2573158683.

ClinVar aggregate classification (germline): Uncertain significance (1 of 4 stars; one submission).

Conditions:
Oculofaciocardiodental syndrome (MCOPS2). Identifiers: Orphanet 2712, MedGen C1846265, MONDO:0010261, OMIM 300166.

Submission:

Labcorp Genetics (formerly Invitae), Labcorp
Classification: Uncertain significance for Oculofaciocardiodental syndrome. Last evaluated: 2021-11-25. Review status: criteria provided, single submitter. Criteria: Invitae Variant Classification Sherloc (09022015). Collection method: clinical testing. Allele origin: germline.
Comment: This variant is not present in population databases (gnomAD no frequency). This variant has not been reported in the literature in individuals affected with BCOR-related conditions. Experimental studies and prediction algorithms are not available or were not evaluated, and the functional significance of this variant is currently unknown. This variant, c.4901_4903del, results in the deletion of 1 amino acid(s) of the BCOR protein (p.Asp1634del), but otherwise preserves the integrity of the reading frame. In summary, the available evidence is currently insufficient to determine the role of this variant in disease. Therefore, it has been classified as a Variant of Uncertain Significance.